The following is an entry in ClinVar:

ClinVar aggregate classification (germline): Likely pathogenic (1 of 4 stars; one submission).

Conditions:
Primary ciliary dyskinesia. Also called: Ciliary dyskinesia. Identifiers: Orphanet 244, MedGen C0008780, MONDO:0016575, HP:0012265.

Submission:

Labcorp Genetics (formerly Invitae), Labcorp
Classification: Likely pathogenic for Primary ciliary dyskinesia. Last evaluated: 2023-02-22. Review status: criteria provided, single submitter. Criteria: Invitae Variant Classification Sherloc (09022015). Collection method: clinical testing. Allele origin: germline.
Comment: In summary, the currently available evidence indicates that the variant is pathogenic, but additional data are needed to prove that conclusively. Therefore, this variant has been classified as Likely Pathogenic. ClinVar contains an entry for this variant (Variation ID: 1068371). This premature translational stop signal has been observed in individual(s) with primary ciliary dyskinesia (Invitae). This variant is not present in population databases (gnomAD no frequency). This sequence change creates a premature translational stop signal (p.Trp4505Serfs*10) in the DNAH11 gene. While this is not anticipated to result in nonsense mediated decay, it is expected to disrupt the last 12 amino acid(s) of the DNAH11 protein.

NM_001277115.2(DNAH11):c.13512_13525del (p.Trp4505fs)

Genes: CDCA7L (cell division cycle associated 7 like; minus strand), DNAH11 (dynein axonemal heavy chain 11; plus strand). Cytogenetic location: 7p15.3.
Variant type: Deletion.
Coding change: c.13512_13525del on transcript NM_001277115.2 (MANE Select); coding-DNA positions 13512 to 13525, 14 bases deleted (ATGGGTTCTGGCTG).
Protein change: p.Trp4505fs; shifts the reading frame from tryptophan 4505.
Molecular consequence: frameshift variant. On other transcripts: 3 prime UTR variant (3).
Genome position (GRCh38, 1-based): chr7:21,901,215-21,901,228, ATGGGTTCTGGCTG deleted. VCF-style (leftmost placement, unchanged base first): chr7-21901214-AATGGGTTCTGGCTG-A. GRCh37 (hg19) VCF-style: chr7-21940832-AATGGGTTCTGGCTG-A.
Other names: c.*1094_*1107del (NM_001127370.3, NM_001127371.3, NM_018719.5); short protein forms W4505fs.
Identifiers: ClinVar variation 1068371 (VCV001068371.7), dbSNP rs2128053554, ClinGen allele CA2499218859.
Genomic context (GRCh38, chr7:21,901,214, plus strand): 5'-AACTGAGAGGCCCCAGCTACATCTGGACCTTCAGGCTGAAGAGCGAAGAGAAGACTGCAA[AATGGGTTCTGGCTG>A]GAGTGGCTCTGCTTCTAGAAGCGTAAGGTAACACTGGCATTCCTCTAGCCTCTGCTGGAG-3'